The following is an entry in ClinVar:

ClinVar aggregate classification (germline): Pathogenic (1 of 4 stars; one submission).

Submission:

GeneDx
Classification: Pathogenic. Last evaluated: 2025-12-24. Review status: criteria provided, single submitter. Criteria: GeneDx Variant Classification Process June 2021. Collection method: clinical testing. Allele origin: germline.
Comment: Not observed at significant frequency in large population cohorts (gnomAD); In silico analysis supports that this missense variant has a deleterious effect on protein structure/function; This variant is associated with the following publications: (PMID: 38108116, 29322246)

NM_001353345.2(SETD1B):c.5654G>A (p.Arg1885Gln)

Gene: SETD1B (SET domain containing 1B, histone lysine methyltransferase; plus strand). Cytogenetic location: 12q24.31.
Variant type: single nucleotide variant.
Coding change: c.5654G>A on transcript NM_001353345.2 (MANE Select); coding-DNA position 5654, G replaced by A.
Protein change: p.Arg1885Gln; replaces arginine 1885 with glutamine.
Molecular consequence: missense variant.
Genome position (GRCh38, 1-based): chr12:121,827,997, G>A. VCF-style: chr12-121827997-G-A. GRCh37 (hg19) VCF-style: chr12-122265903-G-A.
Other names: short protein forms R1885Q.
Identifiers: ClinVar variation 3572653 (VCV003572653.2).
Genomic context (GRCh38, chr12:121,827,997, plus strand): 5'-TCGCAGACATGCGGGAGAAGCGTTATGAGGACGAGGGCATCGGGAGCAGCTACATGTTCC[G>A]GGTGGACCATGACACCATCATCGACGCCACCAAGTGCGGCAACTTCGCGCGCTTCATCAA-3'
Protein context (NP_001340274.1, residues 1875-1895): DEGIGSSYMF[Arg1885Gln]VDHDTIIDAT